The following is an entry in ClinVar:

NM_001103.4(ACTN2):c.290T>C (p.Ile97Thr)

Gene: ACTN2 (actinin alpha 2; plus strand). Cytogenetic location: 1q43.
Variant type: single nucleotide variant.
Coding change: c.290T>C on transcript NM_001103.4 (MANE Select); coding-DNA position 290, T replaced by C.
Protein change: p.Ile97Thr; replaces isoleucine 97 with threonine.
Molecular consequence: missense variant. On other transcripts: non-coding transcript variant (1).
Genome position (GRCh38, 1-based): chr1:236,718,942, T>C. VCF-style: chr1-236718942-T-C. GRCh37 (hg19) VCF-style: chr1-236882242-T-C.
Other names: c.290T>C, p.Ile97Thr (NM_001278343.2); short protein forms I97T.
Identifiers: ClinVar variation 4613365 (VCV004613365.1).

ClinVar aggregate classification (germline): Uncertain significance (1 of 4 stars; one submission).

Conditions:
Cardiovascular phenotype. Identifiers: MedGen CN230736.

gnomAD v4.1: 1 of 1,614,172 alleles (0.000062%); highest among the groups gnomAD compares: Non-Finnish European, 0.000085%; no homozygotes.

Submission:

Ambry Genetics
Classification: Uncertain significance for Cardiovascular phenotype. Last evaluated: 2025-11-18. Review status: criteria provided, single submitter. Criteria: Ambry Variant Classification Scheme 2023. Collection method: clinical testing. Allele origin: germline.
Comment: The p.I97T variant (also known as c.290T>C), located in coding exon 3 of the ACTN2 gene, results from a T to C substitution at nucleotide position 290. The isoleucine at codon 97 is replaced by threonine, an amino acid with similar properties. This amino acid position is conserved. In addition, this alteration is predicted to be deleterious by in silico analysis. Based on the available evidence, the clinical significance of this variant remains unclear.